The following is an entry in ClinVar:

NM_001252024.2(TRPM1):c.3593C>A (p.Ser1198Ter)

Genes: TRPM1 (transient receptor potential cation channel subfamily M member 1; minus strand), LOC126862088 (BRD4-independent group 4 enhancer GRCh37_chr15:31318084-31319283; plus strand). Cytogenetic location: 15q13.3.
Variant type: single nucleotide variant.
Coding change: c.3593C>A on transcript NM_001252024.2 (MANE Select); coding-DNA position 3593, C replaced by A.
Protein change: p.Ser1198Ter; replaces serine 1198 with a stop codon.
Molecular consequence: nonsense.
Genome position (GRCh38, 1-based): chr15:31,026,175, G>T on the plus strand (C>A on the coding strand, the complement: TRPM1 is on the minus strand). VCF-style: chr15-31026175-G-T. GRCh37 (hg19) VCF-style: chr15-31318378-G-T.
Other names: c.3644C>A, p.Ser1215Ter (NM_001252020.2); c.3527C>A, p.Ser1176Ter (NM_002420.6); short protein forms S1176*, S1198*, S1215*.
Identifiers: ClinVar variation 1024155 (VCV001024155.10), dbSNP rs915603269, ClinGen allele CA391540003.

ClinVar aggregate classification (germline): Likely pathogenic. Review status: criteria provided, multiple submitters, no conflicts (2 of 4 stars). 2 submissions from 2 submitters: Likely pathogenic (2). Last evaluated 2025-12-02.

Conditions:
TRPM1-related disorder. Also called: TRPM1-related condition.

Allele frequency attached by ClinVar (database versions not stated): gnomAD exomes below 0.00001; TOPMed 0.00001.
gnomAD v4.1: 10 of 1,612,134 alleles (0.00062%); highest among the groups gnomAD compares: Non-Finnish European, 0.00085%; no homozygotes.

Submissions (2):

Labcorp Genetics (formerly Invitae), Labcorp
Classification: Likely pathogenic. Last evaluated: 2025-12-02. Review status: criteria provided, single submitter. Criteria: Invitae Variant Classification Sherloc (09022015). Collection method: clinical testing. Allele origin: germline.
Comment: This sequence change creates a premature translational stop signal (p.Ser1176*) in the TRPM1 gene. While this is not anticipated to result in nonsense mediated decay, it is expected to disrupt the last 428 amino acid(s) of the TRPM1 protein. The frequency data for this variant in the population databases is considered unreliable, as metrics indicate poor data quality at this position in the gnomAD database. This premature translational stop signal has been observed in individual(s) with clinical features of congenital stationary night blindness (internal data). In at least one individual the data is consistent with being in trans (on the opposite chromosome) from a pathogenic variant. This variant is also known as NM_001252020.1:c.3644C>A (p.Ser1215*). ClinVar contains an entry for this variant (Variation ID: 1024155). This variant disrupts the C-terminus of the TRPM1 protein. Other variant(s) that disrupt this region (p.Asn1265Ilefs*42) have been observed in individuals with TRPM1-related conditions (PMID: 31144483). This suggests that this may be a clinically significant region of the protein. In summary, the currently available evidence indicates that the variant is pathogenic, but additional data are needed to prove that conclusively. Therefore, this variant has been classified as Likely Pathogenic.

Blueprint Genetics
Classification: Likely pathogenic for TRPM1-related disorders. Last evaluated: 2022-06-08. Review status: criteria provided, single submitter. Criteria: ACMG Guidelines, 2015. Collection method: clinical testing. Allele origin: germline. Affected: yes. Observed: 1 variant allele.

Literature cited by the submitters: PubMed 31144483 (cited by Labcorp Genetics (formerly Invitae), Labcorp).